The following is an entry in ClinVar:

ClinVar aggregate classification (germline): Likely pathogenic. Review status: criteria provided, multiple submitters, no conflicts (2 of 4 stars). 2 submissions from 2 submitters: Likely pathogenic (2). Last evaluated 2025-04-02.

Conditions:
Autosomal recessive limb-girdle muscular dystrophy type 2A (LGMDR1). Also called: Calpainopathy; Muscular dystrophy, limb-girdle, type 2A, Amish; LEYDEN-MOEBIUS MUSCULAR DYSTROPHY; MUSCULAR DYSTROPHY, PELVOFEMORAL; Limb-girdle muscular dystrophy, type 2A. Identifiers: Orphanet 267, MedGen C1869123, MONDO:0009675, OMIM 253600. Disease mechanism: loss of function.

Allele frequency attached by ClinVar (database versions not stated): gnomAD exomes below 0.00001.
gnomAD v4.1: 1 of 1,614,148 alleles (0.000062%); highest among the groups gnomAD compares: Non-Finnish European, 0.000085%; no homozygotes.

Submissions (2):

Natera, Inc.
Classification: Likely pathogenic for Limb-girdle muscular dystrophy type 2A. Last evaluated: 2025-04-02. Review status: criteria provided, single submitter. Criteria: Natera Variant Classification Schema (03/2026). Collection method: clinical testing. Allele origin: germline.
Comment: The c.413T>C variant in CAPN3 is a missense variant predicted to cause substitution of leucine to proline at amino acid 138. This variant is rare in the general population with a frequency below the threshold expected for the associated phenotype(s). This variant has been observed in one or more individuals affected with the associated recessive disease, as either homozygous or compound heterozygous with a second variant (PMID: 17562833). Additionally, this variant has been observed to segregate in affected family members (PMID: 17562833). Computational prediction algorithms indicate this variant is likely to affect gene or protein function. Given the available evidence, this variant is classified as Likely Pathogenic.

Labcorp Genetics (formerly Invitae), Labcorp
Classification: Likely pathogenic for Autosomal recessive limb-girdle muscular dystrophy type 2A. Last evaluated: 2023-04-04. Review status: criteria provided, single submitter. Criteria: Invitae Variant Classification Sherloc (09022015). Collection method: clinical testing. Allele origin: germline.
Comment: This sequence change replaces leucine, which is neutral and non-polar, with proline, which is neutral and non-polar, at codon 138 of the CAPN3 protein (p.Leu138Pro). This variant is not present in population databases (gnomAD no frequency). This missense change has been observed in individual(s) with autosomal recessive limb-girdle muscular dystrophy (PMID: 17562833). In at least one individual the data is consistent with being in trans (on the opposite chromosome) from a pathogenic variant. It has also been observed to segregate with disease in related individuals. Advanced modeling of protein sequence and biophysical properties (such as structural, functional, and spatial information, amino acid conservation, physicochemical variation, residue mobility, and thermodynamic stability) performed at Invitae indicates that this missense variant is expected to disrupt CAPN3 protein function. In summary, the currently available evidence indicates that the variant is pathogenic, but additional data are needed to prove that conclusively. Therefore, this variant has been classified as Likely Pathogenic.

Literature cited by the submitters: PubMed 17562833 (cited by Natera, Inc. and Labcorp Genetics (formerly Invitae), Labcorp).

NM_000070.3(CAPN3):c.413T>C (p.Leu138Pro)

Genes: CAPN3 (calpain 3; plus strand), LOC126862115 (BRD4-independent group 4 enhancer GRCh37_chr15:42677734-42678933; plus strand). Cytogenetic location: 15q15.1.
Variant type: single nucleotide variant.
Coding change: c.413T>C on transcript NM_000070.3 (MANE Select); coding-DNA position 413, T replaced by C.
Protein change: p.Leu138Pro; replaces leucine 138 with proline.
Molecular consequence: missense variant.
Genome position (GRCh38, 1-based): chr15:42,386,200, T>C. VCF-style: chr15-42386200-T-C. GRCh37 (hg19) VCF-style: chr15-42678398-T-C.
Other names: c.413T>C (NM_000070.2); c.413T>C, p.Leu138Pro (NM_024344.2, NM_173087.2); c.152T>C, p.Leu51Pro (NM_212464.2); c.*106T>C (NM_212467.2); short protein forms L138P, L51P.
Identifiers: ClinVar variation 2736175 (VCV002736175.5), dbSNP rs2548255741, ClinGen allele CA391997538.